The following is an entry in ClinVar:

ClinVar aggregate classification (germline): Benign (1 of 4 stars; one submission).

Conditions:
Pheochromocytoma. Also called: MAX-Related Hereditary Paraganglioma-Pheochromocytoma Syndrome. Identifiers: Orphanet 29072, MedGen C0031511, MONDO:0008233, OMIM 171300, HP:0002666.

Allele frequency attached by ClinVar (database versions not stated): gnomAD exomes 0.00059; gnomAD 0.00126 and 0.00128; TOPMed 0.00136; 1000 Genomes Project 0.00339; 1000 Genomes Project 30x 0.00375.
gnomAD v4.1: 252 of 242,418 alleles (0.1%); highest among the groups gnomAD compares: East Asian, 0.39%; no homozygotes.

Submission:

Illumina Laboratory Services, Illumina
Classification: Benign for Pheochromocytoma. Last evaluated: 2018-01-12. Review status: criteria provided, single submitter. Criteria: ICSL Variant Classification Criteria 13 December 2019. Collection method: clinical testing. Allele origin: germline.
Comment: This variant was observed in the ICSL laboratory as part of a predisposition screen in an ostensibly healthy population. It had not been previously curated by ICSL or reported in the Human Gene Mutation Database (HGMD: prior to June 1st, 2018), and was therefore a candidate for classification through an automated scoring system. Utilizing variant allele frequency, disease prevalence and penetrance estimates, and inheritance mode, an automated score was calculated to assess if this variant is too frequent to cause the disease. Based on the score and internal cut-off values, a variant classified as benign is not then subjected to further curation. The score for this variant resulted in a classification of benign for this disease.

NM_017849.4(TMEM127):c.*502C>T

Gene: TMEM127 (transmembrane protein 127; minus strand). Cytogenetic location: 2q11.2.
Variant type: single nucleotide variant.
Coding change: c.*502C>T on transcript NM_017849.4 (MANE Select); 502 bases downstream of the stop codon, C replaced by T.
Molecular consequence: 3 prime UTR variant.
Genome position (GRCh38, 1-based): chr2:96,253,306, G>A on the plus strand (C>T on the coding strand, the complement: TMEM127 is on the minus strand). VCF-style: chr2-96253306-G-A. GRCh37 (hg19) VCF-style: chr2-96919044-G-A.
Other names: c.*502C>T (NM_001193304.3).
Identifiers: ClinVar variation 337496 (VCV000337496.5), dbSNP rs191970829, ClinGen allele CA10614651.
Genomic context (GRCh38, chr2:96,253,306, plus strand): 5'-CCCATAAAACCAGGGCACACGTGAGGAGAAGTCCAAAGAGTAAAGTGCACAGAACTCCCC[G>A]GAGCAGGTGGCCTGGGGGCGGGTCACTCCGAGAAGGAAGGGGTCTGGGGGGCGTCAGCCC-3'